The following is an entry in ClinVar:

NM_004958.4(MTOR):c.5526C>A (p.Ala1842=)

Gene: MTOR (mechanistic target of rapamycin kinase; minus strand). Cytogenetic location: 1p36.22.
Variant type: single nucleotide variant.
Coding change: c.5526C>A on transcript NM_004958.4 (MANE Select); coding-DNA position 5526, C replaced by A.
Protein change: p.Ala1842=; no amino-acid change (alanine 1842 retained).
Molecular consequence: synonymous variant.
Genome position (GRCh38, 1-based): chr1:11,130,616, G>T on the plus strand (C>A on the coding strand, the complement: MTOR is on the minus strand). VCF-style: chr1-11130616-G-T. GRCh37 (hg19) VCF-style: chr1-11190673-G-T.
Other names: c.5526C>A, p.Ala1842= (NM_001386500.1); c.4278C>A, p.Ala1426= (NM_001386501.1).
Identifiers: ClinVar variation 2638220 (VCV002638220.24), dbSNP rs761195415, ClinGen allele CA416041340.

ClinVar aggregate classification (germline): Uncertain significance (1 of 4 stars; one submission).

gnomAD v4.1: 1 of 1,613,780 alleles (0.000062%); highest among the groups gnomAD compares: Non-Finnish European, 0.000085%; no homozygotes.

Submission:

CeGaT Center for Human Genetics Tuebingen
Classification: Uncertain significance. Last evaluated: 2023-02-01. Review status: criteria provided, single submitter. Criteria: CeGaT Center For Human Genetics Tuebingen Variant Classification Criteria Version 2. Collection method: clinical testing. Allele origin: germline. Affected: yes. Observed: 1 variant allele.
Comment: MTOR: PM2:Supporting, BP4